The following is an entry in ClinVar:

NM_006164.5(NFE2L2):c.979G>A (p.Ala327Thr)

Gene: NFE2L2 (NFE2 like bZIP transcription factor 2; minus strand). Cytogenetic location: 2q31.2.
Variant type: single nucleotide variant.
Coding change: c.979G>A on transcript NM_006164.5 (MANE Select); coding-DNA position 979, G replaced by A.
Protein change: p.Ala327Thr; replaces alanine 327 with threonine.
Molecular consequence: missense variant.
Genome position (GRCh38, 1-based): chr2:177,231,624, C>T on the plus strand (G>A on the coding strand, the complement: NFE2L2 is on the minus strand). VCF-style: chr2-177231624-C-T. GRCh37 (hg19) VCF-style: chr2-178096352-C-T.
Other names: c.931G>A, p.Ala311Thr (NM_001145412.3, NM_001313900.1, NM_001313901.1); c.910G>A, p.Ala304Thr (NM_001145413.3); c.889G>A, p.Ala297Thr (NM_001313902.2); c.760G>A, p.Ala254Thr (NM_001313903.2); c.679G>A, p.Ala227Thr (NM_001313904.1); short protein forms A297T, A227T, A254T, A311T, A304T, A327T.
Identifiers: ClinVar variation 3686115 (VCV003686115.2).

ClinVar aggregate classification (germline): Uncertain significance (1 of 4 stars; one submission).

gnomAD v4.1: 19 of 1,614,058 alleles (0.0012%); highest among the groups gnomAD compares: Non-Finnish European, 0.0015%; no homozygotes.

Submission:

Labcorp Genetics (formerly Invitae), Labcorp
Classification: Uncertain significance. Last evaluated: 2024-12-03. Review status: criteria provided, single submitter. Criteria: Invitae Variant Classification Sherloc (09022015). Collection method: clinical testing. Allele origin: germline.
Comment: This sequence change replaces alanine, which is neutral and non-polar, with threonine, which is neutral and polar, at codon 327 of the NFE2L2 protein (p.Ala327Thr). This variant is present in population databases (rs374093359, gnomAD 0.003%). This variant has not been reported in the literature in individuals affected with NFE2L2-related conditions. Invitae Evidence Modeling of protein sequence and biophysical properties (such as structural, functional, and spatial information, amino acid conservation, physicochemical variation, residue mobility, and thermodynamic stability) indicates that this missense variant is not expected to disrupt NFE2L2 protein function with a negative predictive value of 80%. In summary, the available evidence is currently insufficient to determine the role of this variant in disease. Therefore, it has been classified as a Variant of Uncertain Significance.